The following is an entry in ClinVar:

NM_003070.5(SMARCA2):c.472C>T (p.Pro158Ser)

Gene: SMARCA2 (SWI/SNF related BAF chromatin remodeling complex subunit ATPase 2; plus strand). Cytogenetic location: 9p24.3.
Variant type: single nucleotide variant.
Coding change: c.472C>T on transcript NM_003070.5 (MANE Select); coding-DNA position 472, C replaced by T.
Protein change: p.Pro158Ser; replaces proline 158 with serine.
Molecular consequence: missense variant.
Genome position (GRCh38, 1-based): chr9:2,039,582, C>T. VCF-style: chr9-2039582-C-T. GRCh37 (hg19) VCF-style: chr9-2039582-C-T.
Other names: c.472C>T, p.Pro158Ser (NM_001289396.2, NM_001289397.2, NM_139045.4); short protein forms P158S.
Identifiers: ClinVar variation 2574440 (VCV002574440.1), dbSNP rs548490250, ClinGen allele CA372779979.

ClinVar aggregate classification (germline): Uncertain significance (1 of 4 stars; one submission).

Submission:

GeneDx
Classification: Uncertain significance. Last evaluated: 2023-01-22. Review status: criteria provided, single submitter. Criteria: GeneDx Variant Classification Process June 2021. Collection method: clinical testing. Allele origin: germline. Affected: yes.
Comment: Not observed at significant frequency in large population cohorts (gnomAD); In silico analysis supports that this missense variant does not alter protein structure/function; Has not been previously published as pathogenic or benign to our knowledge